The following is an entry in ClinVar:

ClinVar aggregate classification (germline): Pathogenic (1 of 4 stars; one submission).

Conditions:
Familial cancer of breast. Also called: Hereditary breast cancer; BREAST CANCER, FAMILIAL; hereditary breast carcinoma. Identifiers: Orphanet 227535, MedGen C0346153, MONDO:0016419, OMIM 114480. Disease mechanism: loss of function.

Submission:

Labcorp Genetics (formerly Invitae), Labcorp
Classification: Pathogenic for Familial cancer of breast. Last evaluated: 2025-01-14. Review status: criteria provided, single submitter. Criteria: Invitae Variant Classification Sherloc (09022015). Collection method: clinical testing. Allele origin: germline.
Comment: This sequence change creates a premature translational stop signal (p.Ser228Lysfs*8) in the CHEK2 gene. It is expected to result in an absent or disrupted protein product. Loss-of-function variants in CHEK2 are known to be pathogenic (PMID: 21876083, 24713400). This variant is not present in population databases (gnomAD no frequency). This variant has not been reported in the literature in individuals affected with CHEK2-related conditions. For these reasons, this variant has been classified as Pathogenic.

Literature cited by the submitters: PubMed 21876083; PubMed 24713400.

NM_007194.4(CHEK2):c.681_682dup (p.Ser228fs)

Gene: CHEK2 (checkpoint kinase 2; minus strand). Cytogenetic location: 22q12.1.
Variant type: Duplication.
Coding change: c.681_682dup on transcript NM_007194.4 (MANE Select); coding-DNA positions 681 to 682, 2 bases duplicated (AA; older notation c.681_682dupAA).
Protein change: p.Ser228fs; shifts the reading frame from serine 228.
Molecular consequence: frameshift variant. On other transcripts: intron variant (1).
Genome position (GRCh38, 1-based): chr22:28,719,396-28,719,397, TT duplicated on the plus strand (AA on the coding strand, the reverse complement: CHEK2 is on the minus strand). VCF-style (leftmost placement, unchanged base first): chr22-28719395-C-CTT. GRCh37 (hg19) VCF-style: chr22-29115383-C-CTT.
Other names: c.810_811dup, p.Ser271fs (NM_001005735.3, NM_001438294.1); c.18_19dup, p.Ser7fs (NM_001257387.3, NM_001437942.1); c.774_775dup, p.Ser259fs (NM_001438293.1, NM_001438295.1); c.681_682dup, p.Ser228fs (NM_145862.3); c.482+5489_482+5490dup (NM_001349956.3); short protein forms S7fs, S228fs, S271fs, S259fs.
Identifiers: ClinVar variation 3729007 (VCV003729007.2).